The following is an entry in ClinVar:

NM_000540.3(RYR1):c.4099G>A (p.Ala1367Thr)

Gene: RYR1 (ryanodine receptor 1; plus strand). Cytogenetic location: 19q13.2.
Variant type: single nucleotide variant.
Coding change: c.4099G>A on transcript NM_000540.3 (MANE Select); coding-DNA position 4099, G replaced by A.
Protein change: p.Ala1367Thr; replaces alanine 1367 with threonine.
Molecular consequence: missense variant.
Genome position (GRCh38, 1-based): chr19:38,473,710, G>A. VCF-style: chr19-38473710-G-A. GRCh37 (hg19) VCF-style: chr19-38964350-G-A.
Other names: c.4099G>A, p.Ala1367Thr (NM_001042723.2); short protein forms A1367T.
Identifiers: ClinVar variation 2179653 (VCV002179653.1), dbSNP rs1968560811, ClinGen allele CA405643075.

ClinVar aggregate classification (germline): Uncertain significance (1 of 4 stars; one submission).

Conditions:
RYR1-related disorder. Also called: RYR1-related condition; RYR1-related disorders. Identifiers: MedGen CN239331.

Submission:

Labcorp Genetics (formerly Invitae), Labcorp
Classification: Uncertain significance for RYR1-related disorder. Last evaluated: 2022-01-02. Review status: criteria provided, single submitter. Criteria: Invitae Variant Classification Sherloc (09022015). Collection method: clinical testing. Allele origin: germline.
Comment: This sequence change replaces alanine, which is neutral and non-polar, with threonine, which is neutral and polar, at codon 1367 of the RYR1 protein (p.Ala1367Thr). This variant is not present in population databases (gnomAD no frequency). This variant has not been reported in the literature in individuals affected with RYR1-related conditions. Advanced modeling of protein sequence and biophysical properties (such as structural, functional, and spatial information, amino acid conservation, physicochemical variation, residue mobility, and thermodynamic stability) performed at Invitae indicates that this missense variant is not expected to disrupt RYR1 protein function. In summary, the available evidence is currently insufficient to determine the role of this variant in disease. Therefore, it has been classified as a Variant of Uncertain Significance.